The following is an entry in ClinVar:

NM_001372051.1(CASP8):c.520A>G (p.Ile174Val)

Gene: CASP8 (caspase 8; plus strand). Cytogenetic location: 2q33.1.
Variant type: single nucleotide variant.
Coding change: c.520A>G on transcript NM_001372051.1 (MANE Select); coding-DNA position 520, A replaced by G.
Protein change: p.Ile174Val; replaces isoleucine 174 with valine.
Molecular consequence: missense variant. On other transcripts: 5 prime UTR variant (11), non-coding transcript variant (22).
Genome position (GRCh38, 1-based): chr2:201,272,746, A>G. VCF-style: chr2-201272746-A-G. GRCh37 (hg19) VCF-style: chr2-202137469-A-G.
Other names: c.520A>G, p.Ile174Val (NM_001080124.2, NM_001400645.1, NM_001400648.1 and 20 more transcripts); c.697A>G, p.Ile233Val (NM_001080125.2, NM_001400642.1, NM_001400665.1); c.616A>G, p.Ile206Val (NM_001228.5); c.211A>G, p.Ile71Val (NM_001400669.1); c.-13A>G (NM_001400671.1, NM_001400672.1, NM_001400673.1 and 6 more transcripts); c.-194A>G (NM_001400674.1); c.-92A>G (NM_001400680.1); short protein forms I174V, I206V, I233V, I71V.
Identifiers: ClinVar variation 1424505 (VCV001424505.8), dbSNP rs1042533208, ClinGen allele CA63883921.

ClinVar aggregate classification (germline): Uncertain significance (1 of 4 stars; one submission).

Conditions:
Autoimmune lymphoproliferative syndrome type 2B. Also called: AUTOIMMUNE LYMPHOPROLIFERATIVE SYNDROME, TYPE IIB. Identifiers: Orphanet 275517, MedGen C1846545, MONDO:0011804, OMIM 607271.

Submission:

Labcorp Genetics (formerly Invitae), Labcorp
Classification: Uncertain significance for Autoimmune lymphoproliferative syndrome type 2B. Last evaluated: 2022-01-27. Review status: criteria provided, single submitter. Criteria: Invitae Variant Classification Sherloc (09022015). Collection method: clinical testing. Allele origin: germline.
Comment: In summary, the available evidence is currently insufficient to determine the role of this variant in disease. Therefore, it has been classified as a Variant of Uncertain Significance. Algorithms developed to predict the effect of sequence changes on RNA splicing suggest that this variant may create or strengthen a splice site. Algorithms developed to predict the effect of missense changes on protein structure and function (SIFT, PolyPhen-2, Align-GVGD) all suggest that this variant is likely to be tolerated. This variant has not been reported in the literature in individuals affected with CASP8-related conditions. This variant is not present in population databases (gnomAD no frequency). This sequence change replaces isoleucine, which is neutral and non-polar, with valine, which is neutral and non-polar, at codon 206 of the CASP8 protein (p.Ile206Val).